The following is an entry in ClinVar:

ClinVar aggregate classification (germline): Uncertain significance. Review status: criteria provided, multiple submitters, no conflicts (2 of 4 stars). 2 submissions from 2 submitters: Uncertain significance (2). Last evaluated 2024-05-23.

Conditions:
Primary ciliary dyskinesia. Also called: Ciliary dyskinesia. Identifiers: Orphanet 244, MedGen C0008780, MONDO:0016575, HP:0012265.
Primary ciliary dyskinesia 13. Also called: CILIARY DYSKINESIA, PRIMARY, 13, WITH OR WITHOUT SITUS INVERSUS. Identifiers: Orphanet 244, MedGen C2750790, MONDO:0013174, OMIM 613193.

Allele frequency attached by ClinVar (database versions not stated): gnomAD 0.00001 and 0.00003; gnomAD exomes 0.00001 and 0.00004; TOPMed 0.00002; ExAC 0.00006.
gnomAD v4.1: 20 of 1,613,946 alleles (0.0012%); highest among the groups gnomAD compares: South Asian, 0.013%; no homozygotes.

Submissions (2):

Ambry Genetics
Classification: Uncertain significance for Primary ciliary dyskinesia. Last evaluated: 2024-05-23. Review status: criteria provided, single submitter. Criteria: Ambry Variant Classification Scheme 2023. Collection method: clinical testing. Allele origin: germline.
Comment: The p.C50Y variant (also known as c.149G>A), located in coding exon 2 of the DNAAF1 gene, results from a G to A substitution at nucleotide position 149. The cysteine at codon 50 is replaced by tyrosine, an amino acid with highly dissimilar properties. This amino acid position is conserved. In addition, this alteration is predicted to be tolerated by in silico analysis. Based on the available evidence, the clinical significance of this variant remains unclear.

Illumina Laboratory Services, Illumina
Classification: Uncertain significance for Primary ciliary dyskinesia 13. Last evaluated: 2018-01-12. Review status: criteria provided, single submitter. Criteria: ICSL Variant Classification Criteria 13 December 2019. Collection method: clinical testing. Allele origin: germline.

NM_178452.6(DNAAF1):c.149G>A (p.Cys50Tyr)

Gene: DNAAF1 (dynein axonemal assembly factor 1; plus strand). Cytogenetic location: 16q24.1.
Variant type: single nucleotide variant.
Coding change: c.149G>A on transcript NM_178452.6 (MANE Select); coding-DNA position 149, G replaced by A.
Protein change: p.Cys50Tyr; replaces cysteine 50 with tyrosine.
Molecular consequence: missense variant.
Genome position (GRCh38, 1-based): chr16:84,149,031, G>A. VCF-style: chr16-84149031-G-A. GRCh37 (hg19) VCF-style: chr16-84182636-G-A.
Other names: short protein forms C50Y.
Identifiers: ClinVar variation 886428 (VCV000886428.5), dbSNP rs747363759, ClinGen allele CA8202385.